The following is an entry in ClinVar:

ClinVar aggregate classification (germline): Uncertain significance (1 of 4 stars; one submission).

Allele frequency attached by ClinVar (database versions not stated): gnomAD exomes 0.00001.
gnomAD v4.1: 8 of 1,613,404 alleles (0.0005%); highest among the groups gnomAD compares: South Asian, 0.0033%; no homozygotes.

Submission:

Labcorp Genetics (formerly Invitae), Labcorp
Classification: Uncertain significance. Last evaluated: 2025-12-15. Review status: criteria provided, single submitter. Criteria: Invitae Variant Classification Sherloc (09022015). Collection method: clinical testing. Allele origin: germline.
Comment: This sequence change replaces glutamic acid, which is acidic and polar, with lysine, which is basic and polar, at codon 897 of the MYH3 protein (p.Glu897Lys). This variant is present in population databases (no rsID available, gnomAD 0.003%). This variant has not been reported in the literature in individuals affected with MYH3-related conditions. ClinVar contains an entry for this variant (Variation ID: 2985609). Invitae Evidence Modeling of protein sequence and biophysical properties (such as structural, functional, and spatial information, amino acid conservation, physicochemical variation, residue mobility, and thermodynamic stability) indicates that this missense variant is not expected to disrupt MYH3 protein function with a negative predictive value of 95%. In summary, the available evidence is currently insufficient to determine the role of this variant in disease. Therefore, it has been classified as a Variant of Uncertain Significance.

NM_002470.4(MYH3):c.2689G>A (p.Glu897Lys)

Gene: MYH3 (myosin heavy chain 3; minus strand). Cytogenetic location: 17p13.1.
Variant type: single nucleotide variant.
Coding change: c.2689G>A on transcript NM_002470.4 (MANE Select); coding-DNA position 2689, G replaced by A.
Protein change: p.Glu897Lys; replaces glutamic acid 897 with lysine.
Molecular consequence: missense variant.
Genome position (GRCh38, 1-based): chr17:10,639,796, C>T on the plus strand (G>A on the coding strand, the complement: MYH3 is on the minus strand). VCF-style: chr17-10639796-C-T. GRCh37 (hg19) VCF-style: chr17-10543113-C-T.
Other names: short protein forms E897K.
Identifiers: ClinVar variation 2985609 (VCV002985609.3), dbSNP rs1265665989, ClinGen allele CA398160723.